The following is an entry in ClinVar:

ClinVar aggregate classification (germline): Conflicting classifications of pathogenicity. Review status: criteria provided, conflicting classifications (1 of 4 stars). 3 submissions from 3 submitters: Uncertain significance (2); Benign (1). Last evaluated 2026-01-13.

Conditions:
CACNA1C-related disorder. Also called: CACNA1C-related condition; CACNA1C-related disorders. Identifiers: MedGen CN381092, MONDO:0700321.
Cardiovascular phenotype. Identifiers: MedGen CN230736.
Long QT syndrome (LQTS). Identifiers: MedGen C0023976, MeSH D008133, MONDO:0002442. Disease mechanism: loss of function. Inheritance: Various modes of inheritance.

Allele frequency attached by ClinVar (database versions not stated): gnomAD exomes 0.00002 and 0.00003; TOPMed 0.00001; ExAC 0.00001; gnomAD 0.00002.
gnomAD v4.1: 29 of 1,613,512 alleles (0.0018%); highest among the groups gnomAD compares: Non-Finnish European, 0.002%; no homozygotes.

Submissions (3):

PreventionGenetics, part of Exact Sciences
Classification: Uncertain significance for CACNA1C-related condition. Last evaluated: 2026-01-13. Review status: criteria provided, single submitter. Criteria: ACMG Guidelines, 2015. Collection method: clinical testing. Allele origin: germline.
Comment: The CACNA1C c.5215G>A variant is predicted to result in the amino acid substitution p.Asp1739Asn. To our knowledge, this variant has not been reported in the literature. This variant is reported in 0.0080% of alleles in individuals of European (Finnish) descent in gnomAD. At this time, the clinical significance of this variant is uncertain due to the absence of conclusive functional and genetic evidence.

Labcorp Genetics (formerly Invitae), Labcorp
Classification: Uncertain significance for Long QT syndrome. Last evaluated: 2025-11-12. Review status: criteria provided, single submitter. Criteria: Invitae Variant Classification Sherloc (09022015). Collection method: clinical testing. Allele origin: germline.
Comment: This sequence change replaces aspartic acid, which is acidic and polar, with asparagine, which is neutral and polar, at codon 1739 of the CACNA1C protein (p.Asp1739Asn). This variant is present in population databases (rs769917254, gnomAD 0.008%). This missense change has been observed in individual(s) with Brugada syndrome (PMID: 38426305). ClinVar contains an entry for this variant (Variation ID: 849882). Invitae Evidence Modeling of protein sequence and biophysical properties (such as structural, functional, and spatial information, amino acid conservation, physicochemical variation, residue mobility, and thermodynamic stability) indicates that this missense variant is not expected to disrupt CACNA1C protein function with a negative predictive value of 95%. In summary, the available evidence is currently insufficient to determine the role of this variant in disease. Therefore, it has been classified as a Variant of Uncertain Significance.

Ambry Genetics
Classification: Benign for Cardiovascular phenotype. Last evaluated: 2023-12-22. Review status: criteria provided, single submitter. Criteria: Ambry Variant Classification Scheme 2023. Collection method: clinical testing. Allele origin: germline.

Literature cited by the submitters: PubMed 38426305 (cited by Labcorp Genetics (formerly Invitae), Labcorp).

NM_000719.7(CACNA1C):c.5215G>A (p.Asp1739Asn)

Genes: CACNA1C (calcium voltage-gated channel subunit alpha1 C; plus strand), CACNA1C-AS1 (CACNA1C antisense RNA 1; minus strand). Cytogenetic location: 12p13.33.
Variant type: single nucleotide variant.
Coding change: c.5215G>A on transcript NM_000719.7 (MANE Select); coding-DNA position 5215, G replaced by A.
Protein change: p.Asp1739Asn; replaces aspartic acid 1739 with asparagine.
Molecular consequence: missense variant.
Genome position (GRCh38, 1-based): chr12:2,679,567, G>A. VCF-style: chr12-2679567-G-A. GRCh37 (hg19) VCF-style: chr12-2788733-G-A.
Other names: c.5359G>A, p.Asp1787Asn (NM_001129827.2, NM_199460.4); c.5338G>A, p.Asp1780Asn (NM_001129829.2); c.5215G>A, p.Asp1739Asn (NM_001129830.3, NM_001129840.2, NM_001129841.2 and 4 more transcripts); c.5299G>A, p.Asp1767Asn (NM_001129831.2); c.5275G>A, p.Asp1759Asn (NM_001129832.2); c.5272G>A, p.Asp1758Asn (NM_001129833.2, NM_001129834.2, NM_001129835.2); c.5266G>A, p.Asp1756Asn (NM_001129836.2); c.5239G>A, p.Asp1747Asn (NM_001129837.2, NM_001129838.2); and 3 more; short protein forms D1739N, D1745N, D1747N, D1759N, D1787N, D1736N, D1756N, D1758N.
Identifiers: ClinVar variation 849882 (VCV000849882.11), dbSNP rs769917254, ClinGen allele CA6389733.